The following is an entry in ClinVar:

NM_001776.6(ENTPD1):c.1020C>T (p.Tyr340=)

Genes: ENTPD1 (ectonucleoside triphosphate diphosphohydrolase 1; plus strand), ENTPD1-AS1 (ENTPD1 antisense RNA 1; minus strand). Cytogenetic location: 10q24.1.
Variant type: single nucleotide variant.
Coding change: c.1020C>T on transcript NM_001776.6 (MANE Select); coding-DNA position 1020, C replaced by T.
Protein change: p.Tyr340=; no amino-acid change (tyrosine 340 retained).
Molecular consequence: synonymous variant.
Genome position (GRCh38, 1-based): chr10:95,847,652, C>T. VCF-style: chr10-95847652-C-T. GRCh37 (hg19) VCF-style: chr10-97607409-C-T.
Other names: c.1041C>T, p.Tyr347= (NM_001098175.2); c.1056C>T, p.Tyr352= (NM_001164178.1, NM_001320916.1); c.897C>T, p.Tyr299= (NM_001164179.2); c.696C>T, p.Tyr232= (NM_001164181.1, NM_001312654.1); c.606C>T, p.Tyr202= (NM_001164182.2, NM_001164183.2).
Identifiers: ClinVar variation 541703 (VCV000541703.38), dbSNP rs149326648, ClinGen allele CA5621515.
Genomic context (GRCh38, chr10:95,847,652, plus strand): 5'-AAACTATCAACAATGCCATCAAAGCATCCTGGAGCTCTTCAACACCAGTTACTGCCCTTA[C>T]TCCCAGTGTGCCTTCAATGGGATTTTCTTGCCACCACTCCAGGGGGATTTTGGGGTAAGT-3'
Protein context (NP_001767.3, residues 330-350): LELFNTSYCP[Tyr340=]SQCAFNGIFL

ClinVar aggregate classification (germline): Benign/Likely benign. Review status: criteria provided, multiple submitters, no conflicts (2 of 4 stars). 4 submissions from 4 submitters: Benign (1); Likely benign (3). Last evaluated 2026-07-01.

Conditions:
Hereditary spastic paraplegia 64. Also called: Spastic paraplegia 64, autosomal recessive; ENTPD1-Related Neurodevelopmental Disorder. Identifiers: Orphanet 401810, MedGen C3810289, MONDO:0014303, OMIM 615683.
Hereditary spastic paraplegia. Also called: Familial spastic paraparesis. Identifiers: Orphanet 685, MedGen C0037773, MONDO:0019064. Disease mechanism: loss of function.

Allele frequency attached by ClinVar (database versions not stated): ESP Exome Variant Server 0.00046; gnomAD 0.00085; 1000 Genomes Project 0.00100; 1000 Genomes Project 30x 0.00125; TOPMed 0.00133.
gnomAD v4.1: 1,099 of 1,614,246 alleles (0.068%); highest among the groups gnomAD compares: Middle Eastern, 1.2%; 5 homozygotes.

Submissions (4):

CeGaT Center for Human Genetics Tuebingen
Classification: Likely benign. Last evaluated: 2026-07-01. Review status: criteria provided, single submitter. Criteria: CeGaT Center For Human Genetics Tuebingen Variant Classification Criteria Version 2. Collection method: clinical testing. Allele origin: germline. Affected: yes. Observed: 14 variant alleles.
Comment: ENTPD1: BP4, BP7

Labcorp Genetics (formerly Invitae), Labcorp
Classification: Benign for Hereditary spastic paraplegia 64. Last evaluated: 2026-01-19. Review status: criteria provided, single submitter. Criteria: Invitae Variant Classification Sherloc (09022015). Collection method: clinical testing. Allele origin: germline.

Genome Diagnostics Laboratory, The Hospital for Sick Children
Classification: Likely benign for Hereditary spastic paraplegia. Last evaluated: 2018-11-01. Review status: criteria provided, single submitter. Criteria: ACMG Guidelines, 2015. Collection method: clinical testing. Allele origin: germline. Affected: yes.

Breakthrough Genomics
Classification: Likely benign. Review status: criteria provided, single submitter. Criteria: ACMG Guidelines, 2015. Collection method: not provided. Allele origin: germline. Inheritance: Autosomal recessive inheritance. Affected: yes.